The following is an entry in ClinVar:

NM_001204.7(BMPR2):c.515A>T (p.Tyr172Phe)

Gene: BMPR2 (bone morphogenetic protein receptor type 2; plus strand). Cytogenetic location: 2q33.2.
Variant type: single nucleotide variant.
Coding change: c.515A>T on transcript NM_001204.7 (MANE Select); coding-DNA position 515, A replaced by T.
Protein change: p.Tyr172Phe; replaces tyrosine 172 with phenylalanine.
Molecular consequence: missense variant.
Genome position (GRCh38, 1-based): chr2:202,513,815, A>T. VCF-style: chr2-202513815-A-T. GRCh37 (hg19) VCF-style: chr2-203378538-A-T.
Other names: short protein forms Y172F.
Identifiers: ClinVar variation 3992174 (VCV003992174.1).

ClinVar aggregate classification (germline): Uncertain significance (1 of 4 stars; one submission).

Conditions:
Inborn genetic diseases. Identifiers: MedGen C0950123, MeSH D030342.

gnomAD v4.1: 1 of 1,610,568 alleles (0.000062%); highest among the groups gnomAD compares: Middle Eastern, 0.017%; no homozygotes.

Submission:

Ambry Genetics
Classification: Uncertain significance for Inborn genetic diseases. Last evaluated: 2025-05-17. Review status: criteria provided, single submitter. Criteria: Ambry Variant Classification Scheme 2023. Collection method: clinical testing. Allele origin: germline.
Comment: The p.Y172F variant (also known as c.515A>T), located in coding exon 4 of the BMPR2 gene, results from an A to T substitution at nucleotide position 515. The tyrosine at codon 172 is replaced by phenylalanine, an amino acid with highly similar properties. This amino acid position is conserved. In addition, the in silico prediction for this alteration is inconclusive. Based on the available evidence, the clinical significance of this variant remains unclear.